The following is an entry in ClinVar:

NM_001267550.2(TTN):c.104838G>A (p.Leu34946=)

Genes: TTN (titin; minus strand), TTN-AS1 (TTN antisense RNA 1; plus strand). Cytogenetic location: 2q31.2.
Variant type: single nucleotide variant.
Coding change: c.104838G>A on transcript NM_001267550.2 (MANE Select); coding-DNA position 104838, G replaced by A.
Protein change: p.Leu34946=; no amino-acid change (leucine 34946 retained).
Molecular consequence: synonymous variant.
Genome position (GRCh38, 1-based): chr2:178,531,777, C>T on the plus strand (G>A on the coding strand, the complement: TTN is on the minus strand). VCF-style: chr2-178531777-C-T. GRCh37 (hg19) VCF-style: chr2-179396504-C-T.
Other names: c.99915G>A, p.Leu33305= (NM_001256850.1); c.77643G>A, p.Leu25881= (NM_003319.4); c.97134G>A, p.Leu32378= (NM_133378.4); c.78018G>A, p.Leu26006= (NM_133432.3); c.78219G>A, p.Leu26073= (NM_133437.4).
Identifiers: ClinVar variation 3049827 (VCV003049827.3), dbSNP rs374153549, ClinGen allele CA60955919.

ClinVar aggregate classification (germline): Likely benign. Review status: criteria provided, single submitter (1 of 4 stars). 2 submissions from 2 submitters: Likely benign (1). 1 of the submissions does not count toward it. Last evaluated 2025-11-26.

Conditions:
TTN-related disorder. Also called: TTN-related condition; TTN-related disease; TTN-related disorders.
Dilated cardiomyopathy 1G (CMD1G). Identifiers: Orphanet 154, MedGen C1858763, MONDO:0011400, OMIM 604145.
Autosomal recessive limb-girdle muscular dystrophy type 2J (LGMDR10). Also called: Limb-girdle muscular dystrophy, type 2J; MUSCULAR DYSTROPHY, LIMB-GIRDLE, AUTOSOMAL RECESSIVE 10. Identifiers: Orphanet 140922, MedGen C1837342, MONDO:0012127, OMIM 608807.

Allele frequency attached by ClinVar (database versions not stated): gnomAD exomes below 0.00001; TOPMed below 0.00001.
gnomAD v4.1: 5 of 1,613,962 alleles (0.00031%); highest among the groups gnomAD compares: Non-Finnish European, 0.00034%; no homozygotes.

Submissions (2):

Labcorp Genetics (formerly Invitae), Labcorp
Classification: Likely benign for Dilated cardiomyopathy 1G; Autosomal recessive limb-girdle muscular dystrophy type 2J. Last evaluated: 2025-11-26. Review status: criteria provided, single submitter. Criteria: Invitae Variant Classification Sherloc (09022015). Collection method: clinical testing. Allele origin: germline.

PreventionGenetics, part of Exact Sciences
Classification: Likely benign for TTN-related condition. Last evaluated: 2023-04-30. Review status: no assertion criteria provided. Collection method: clinical testing. Allele origin: germline. Not counted in ClinVar's aggregate classification.
Comment: This variant is classified as likely benign based on ACMG/AMP sequence variant interpretation guidelines (Richards et al. 2015 PMID: 25741868, with internal and published modifications).